The following is an entry in ClinVar:

NM_001267550.2(TTN):c.56876A>G (p.Tyr18959Cys)

Genes: TTN (titin; minus strand), TTN-AS1 (TTN antisense RNA 1; plus strand). Cytogenetic location: 2q31.2.
Variant type: single nucleotide variant.
Coding change: c.56876A>G on transcript NM_001267550.2 (MANE Select); coding-DNA position 56876, A replaced by G.
Protein change: p.Tyr18959Cys; replaces tyrosine 18959 with cysteine.
Molecular consequence: missense variant.
Genome position (GRCh38, 1-based): chr2:178,598,834, T>C on the plus strand (A>G on the coding strand, the complement: TTN is on the minus strand). VCF-style: chr2-178598834-T-C. GRCh37 (hg19) VCF-style: chr2-179463561-T-C.
Other names: c.51953A>G, p.Tyr17318Cys (NM_001256850.1); c.29681A>G, p.Tyr9894Cys (NM_003319.4); c.49172A>G, p.Tyr16391Cys (NM_133378.4); c.30056A>G, p.Tyr10019Cys (NM_133432.3); c.30257A>G, p.Tyr10086Cys (NM_133437.4); short protein forms Y10019C, Y10086C, Y16391C, Y17318C, Y18959C, Y9894C.
Identifiers: ClinVar variation 4071773 (VCV004071773.2).

ClinVar aggregate classification (germline): Uncertain significance. Review status: criteria provided, multiple submitters, no conflicts (2 of 4 stars). 2 submissions from 2 submitters: Uncertain significance (2). Last evaluated 2026-04-04.

Conditions:
TTN-related disorder. Also called: TTN-related condition; TTN-related disease; TTN-related disorders.

gnomAD v4.1: 2 of 1,613,324 alleles (0.00012%); highest among the groups gnomAD compares: Admixed American, 0.0033%; no homozygotes.

Submissions (2):

PreventionGenetics, part of Exact Sciences
Classification: Uncertain significance for TTN-related condition. Last evaluated: 2026-04-04. Review status: criteria provided, single submitter. Criteria: ACMG Guidelines, 2015. Collection method: clinical testing. Allele origin: germline.
Comment: The TTN c.56876A>G variant is predicted to result in the amino acid substitution p.Tyr18959Cys. To our knowledge, this variant has not been reported in the literature. This variant is reported in 0.0058% of alleles in individuals of Latino descent in gnomAD. At this time, the clinical significance of this variant is uncertain due to the absence of conclusive functional and genetic evidence.

GeneDx
Classification: Uncertain significance. Last evaluated: 2025-01-22. Review status: criteria provided, single submitter. Criteria: GeneDx Variant Classification Process June 2021. Collection method: clinical testing. Allele origin: germline. Affected: yes.
Comment: Not observed at significant frequency in large population cohorts (gnomAD); Missense variant in a gene in which most reported pathogenic variants are truncating/loss of function; Has not been previously published as pathogenic or benign to our knowledge